The following is an entry in ClinVar:

ClinVar aggregate classification (germline): Uncertain significance (1 of 4 stars; one submission).

Conditions:
Joubert syndrome 18 (JBTS18). Identifiers: Orphanet 2754, MedGen C3553758, MONDO:0013896, OMIM 614815.
Orofacial-digital syndrome IV (OFD4). Also called: BARAITSER-BURN SYNDROME; OFD SYNDROME WITH TIBIAL DEFECTS; OFD SYNDROME, BARAITSER-BURN TYPE; OFDS IV; ORAL-FACIAL-DIGITAL SYNDROME, TYPE IV; Orofaciodigital syndrome IV. Identifiers: Orphanet 2753, MedGen C0406727, MONDO:0009794, OMIM 258860.

Submission:

Labcorp Genetics (formerly Invitae), Labcorp
Classification: Uncertain significance for Joubert syndrome 18; Orofacial-digital syndrome IV. Last evaluated: 2022-08-01. Review status: criteria provided, single submitter. Criteria: Invitae Variant Classification Sherloc (09022015). Collection method: clinical testing. Allele origin: germline.
Comment: In summary, the available evidence is currently insufficient to determine the role of this variant in disease. Therefore, it has been classified as a Variant of Uncertain Significance. Algorithms developed to predict the effect of missense changes on protein structure and function output the following: SIFT: "Tolerated"; PolyPhen-2: "Benign"; Align-GVGD: "Class C0". The isoleucine amino acid residue is found in multiple mammalian species, which suggests that this missense change does not adversely affect protein function. This variant has not been reported in the literature in individuals affected with TCTN3-related conditions. This variant is not present in population databases (gnomAD no frequency). This sequence change replaces methionine, which is neutral and non-polar, with isoleucine, which is neutral and non-polar, at codon 289 of the TCTN3 protein (p.Met289Ile).

NM_015631.6(TCTN3):c.867G>A (p.Met289Ile)

Gene: TCTN3 (tectonic family member 3; minus strand). Cytogenetic location: 10q24.1.
Variant type: single nucleotide variant.
Coding change: c.867G>A on transcript NM_015631.6 (MANE Select); coding-DNA position 867, G replaced by A.
Protein change: p.Met289Ile; replaces methionine 289 with isoleucine.
Molecular consequence: missense variant.
Genome position (GRCh38, 1-based): chr10:95,686,516, C>T on the plus strand (G>A on the coding strand, the complement: TCTN3 is on the minus strand). VCF-style: chr10-95686516-C-T. GRCh37 (hg19) VCF-style: chr10-97446273-C-T.
Other names: c.921G>A, p.Met307Ile (NM_001013840.1); c.630G>A, p.Met210Ile (NM_001143973.2); c.867G>A, p.Met289Ile (NM_001410982.1); short protein forms M210I, M289I, M307I.
Identifiers: ClinVar variation 2063182 (VCV002063182.4), dbSNP rs2492758017, ClinGen allele CA377706379.